The following is an entry in ClinVar:

ClinVar aggregate classification (germline): Uncertain significance (1 of 4 stars; one submission).

gnomAD v4.1: 60 of 1,611,710 alleles (0.0037%); highest among the groups gnomAD compares: Non-Finnish European, 0.0051%; no homozygotes.

Submission:

Labcorp Genetics (formerly Invitae), Labcorp
Classification: Uncertain significance. Last evaluated: 2024-03-10. Review status: criteria provided, single submitter. Criteria: Invitae Variant Classification Sherloc (09022015). Collection method: clinical testing. Allele origin: germline.
Comment: This sequence change replaces tyrosine, which is neutral and polar, with cysteine, which is neutral and slightly polar, at codon 330 of the KLF1 protein (p.Tyr330Cys). This variant is not present in population databases (gnomAD no frequency). This variant has not been reported in the literature in individuals affected with KLF1-related conditions. Advanced modeling of protein sequence and biophysical properties (such as structural, functional, and spatial information, amino acid conservation, physicochemical variation, residue mobility, and thermodynamic stability) performed at Invitae indicates that this missense variant is expected to disrupt KLF1 protein function with a positive predictive value of 80%. In summary, the available evidence is currently insufficient to determine the role of this variant in disease. Therefore, it has been classified as a Variant of Uncertain Significance.

NM_006563.5(KLF1):c.989A>G (p.Tyr330Cys)

Genes: KLF1 (KLF transcription factor 1; minus strand), LOC117125591 (CRISPRi-FlowFISH-validated PRDX2 and RAD23A regulatory element; plus strand). Cytogenetic location: 19p13.13.
Variant type: single nucleotide variant.
Coding change: c.989A>G on transcript NM_006563.5 (MANE Select); coding-DNA position 989, A replaced by G.
Protein change: p.Tyr330Cys; replaces tyrosine 330 with cysteine.
Molecular consequence: missense variant.
Genome position (GRCh38, 1-based): chr19:12,884,985, T>C on the plus strand (A>G on the coding strand, the complement: KLF1 is on the minus strand). VCF-style: chr19-12884985-T-C. GRCh37 (hg19) VCF-style: chr19-12995799-T-C.
Other names: short protein forms Y330C.
Identifiers: ClinVar variation 3616435 (VCV003616435.2).
Genomic context (GRCh38, chr19:12,884,985, plus strand): 5'-CGCGAAAAAGCACGTGGGCAGAGCTGGCAGCGGAAGGGGCGCTGCCCCGTGTGTTTCCGG[T>C]AGTGGCGGGTCAGCTCGTCCGAGCGCGCGAATCTCCAGCCGCAGCCTTCCCACGTGCAGG-3'
Protein context (NP_006554.1, residues 320-340): FARSDELTRH[Tyr330Cys]RKHTGQRPFR